The following is an entry in ClinVar:

ClinVar aggregate classification (germline): Benign. Review status: criteria provided, multiple submitters, no conflicts (2 of 4 stars). 2 submissions from 2 submitters: Benign (2). Last evaluated 2018-01-13.

Conditions:
Brachydactyly. Also called: Brachydactyly syndrome; Brachydactyly (disease). Identifiers: MedGen C0221357, MONDO:0021004, HP:0001156.

Allele frequency attached by ClinVar (database versions not stated): gnomAD 0.00115; 1000 Genomes Project 0.00140; 1000 Genomes Project 30x 0.00172; TOPMed 0.00193.
gnomAD v4.1: 3,467 of 1,404,764 alleles (0.25%); highest among the groups gnomAD compares: Non-Finnish European, 0.31%; 7 homozygotes.

Submissions (2):

Illumina Laboratory Services, Illumina
Classification: Benign for Brachydactyly. Last evaluated: 2018-01-13. Review status: criteria provided, single submitter. Criteria: ICSL Variant Classification Criteria 13 December 2019. Collection method: clinical testing. Allele origin: germline.
Comment: This variant was observed in the ICSL laboratory as part of a predisposition screen in an ostensibly healthy population. It had not been previously curated by ICSL or reported in the Human Gene Mutation Database (HGMD: prior to June 1st, 2018), and was therefore a candidate for classification through an automated scoring system. Utilizing variant allele frequency, disease prevalence and penetrance estimates, and inheritance mode, an automated score was calculated to assess if this variant is too frequent to cause the disease. Based on the score and internal cut-off values, a variant classified as benign is not then subjected to further curation. The score for this variant resulted in a classification of benign for this disease.

Breakthrough Genomics
Classification: Benign. Review status: criteria provided, single submitter. Criteria: ACMG Guidelines, 2015. Collection method: not provided. Allele origin: germline. Inheritance: Autosomal recessive inheritance. Affected: yes.

NM_001203.3(BMPR1B):c.*126G>A

Gene: BMPR1B (bone morphogenetic protein receptor type 1B; plus strand). Cytogenetic location: 4q22.3.
Variant type: single nucleotide variant.
Coding change: c.*126G>A on transcript NM_001203.3 (MANE Select); 126 bases downstream of the stop codon, G replaced by A.
Molecular consequence: 3 prime UTR variant.
Genome position (GRCh38, 1-based): chr4:95,154,799, G>A. VCF-style: chr4-95154799-G-A. GRCh37 (hg19) VCF-style: chr4-96075950-G-A.
Other names: c.*126G>A (NM_001256792.2, NM_001256793.2, NM_001256794.1).
Identifiers: ClinVar variation 350129 (VCV000350129.6), dbSNP rs569581364, ClinGen allele CA10619604.